The following is an entry in ClinVar:

NM_001270508.2(TNFAIP3):c.1545C>A (p.His515Gln)

Gene: TNFAIP3 (TNF alpha induced protein 3; plus strand). Cytogenetic location: 6q23.3.
Variant type: single nucleotide variant.
Coding change: c.1545C>A on transcript NM_001270508.2 (MANE Select); coding-DNA position 1545, C replaced by A.
Protein change: p.His515Gln; replaces histidine 515 with glutamine.
Molecular consequence: missense variant.
Genome position (GRCh38, 1-based): chr6:137,878,990, C>A. VCF-style: chr6-137878990-C-A. GRCh37 (hg19) VCF-style: chr6-138200127-C-A.
Other names: c.1545C>A, p.His515Gln (NM_001270507.2, NM_006290.4); short protein forms H515Q.
Identifiers: ClinVar variation 2902459 (VCV002902459.3), dbSNP rs960145182, ClinGen allele CA148263454.

ClinVar aggregate classification (germline): Uncertain significance (1 of 4 stars; one submission).

Allele frequency attached by ClinVar (database versions not stated): gnomAD 0.00001; gnomAD exomes 0.00001; TOPMed 0.00002.
gnomAD v4.1: 18 of 1,614,130 alleles (0.0011%); highest among the groups gnomAD compares: Middle Eastern, 0.016%; no homozygotes.

Submission:

Labcorp Genetics (formerly Invitae), Labcorp
Classification: Uncertain significance. Last evaluated: 2024-04-25. Review status: criteria provided, single submitter. Criteria: Invitae Variant Classification Sherloc (09022015). Collection method: clinical testing. Allele origin: germline.
Comment: This sequence change replaces histidine, which is basic and polar, with glutamine, which is neutral and polar, at codon 515 of the TNFAIP3 protein (p.His515Gln). This variant is present in population databases (no rsID available, gnomAD 0.0009%). This variant has not been reported in the literature in individuals affected with TNFAIP3-related conditions. Advanced modeling of protein sequence and biophysical properties (such as structural, functional, and spatial information, amino acid conservation, physicochemical variation, residue mobility, and thermodynamic stability) performed at Invitae indicates that this missense variant is not expected to disrupt TNFAIP3 protein function with a negative predictive value of 80%. In summary, the available evidence is currently insufficient to determine the role of this variant in disease. Therefore, it has been classified as a Variant of Uncertain Significance.